The following is an entry in ClinVar:

ClinVar aggregate classification (germline): Uncertain significance. Review status: criteria provided, multiple submitters, no conflicts (2 of 4 stars). 2 submissions from 2 submitters: Uncertain significance (2). Last evaluated 2024-12-16.

Conditions:
Inborn genetic diseases. Identifiers: MedGen C0950123, MeSH D030342.

Allele frequency attached by ClinVar (database versions not stated): gnomAD exomes below 0.00001 and 0.00002; gnomAD 0.00001; ExAC 0.00002; TOPMed 0.00003.
gnomAD v4.1: 8 of 1,614,000 alleles (0.0005%); highest among the groups gnomAD compares: Admixed American, 0.0067%; no homozygotes.

Submissions (2):

Ambry Genetics
Classification: Uncertain significance for Inborn genetic diseases. Last evaluated: 2024-12-16. Review status: criteria provided, single submitter. Criteria: Ambry Variant Classification Scheme 2023. Collection method: clinical testing. Allele origin: germline.

Labcorp Genetics (formerly Invitae), Labcorp
Classification: Uncertain significance. Last evaluated: 2023-03-23. Review status: criteria provided, single submitter. Criteria: Invitae Variant Classification Sherloc (09022015). Collection method: clinical testing. Allele origin: germline.
Comment: In summary, the available evidence is currently insufficient to determine the role of this variant in disease. Therefore, it has been classified as a Variant of Uncertain Significance. Advanced modeling of protein sequence and biophysical properties (such as structural, functional, and spatial information, amino acid conservation, physicochemical variation, residue mobility, and thermodynamic stability) performed at Invitae indicates that this missense variant is not expected to disrupt CDH3 protein function. ClinVar contains an entry for this variant (Variation ID: 1483804). This variant has not been reported in the literature in individuals affected with CDH3-related conditions. This variant is present in population databases (rs780570670, gnomAD 0.01%). This sequence change replaces alanine, which is neutral and non-polar, with serine, which is neutral and polar, at codon 724 of the CDH3 protein (p.Ala724Ser).

NM_001793.6(CDH3):c.2170G>T (p.Ala724Ser)

Gene: CDH3 (cadherin 3; plus strand). Cytogenetic location: 16q22.1.
Variant type: single nucleotide variant.
Coding change: c.2170G>T on transcript NM_001793.6 (MANE Select); coding-DNA position 2170, G replaced by T.
Protein change: p.Ala724Ser; replaces alanine 724 with serine.
Molecular consequence: missense variant.
Genome position (GRCh38, 1-based): chr16:68,695,813, G>T. VCF-style: chr16-68695813-G-T. GRCh37 (hg19) VCF-style: chr16-68729716-G-T.
Other names: c.2170G>T, p.Ala724Ser (NM_001317195.3); c.2005G>T, p.Ala669Ser (NM_001317196.2); c.2170G>T (NM_001793.4); short protein forms A669S, A724S.
Identifiers: ClinVar variation 1483804 (VCV001483804.5), dbSNP rs780570670, ClinGen allele CA8129608.
Genomic context (GRCh38, chr16:68,695,813, plus strand): 5'-CTGCTCTCCTGCATTTCCCCACAGGACTATGACATCACCCAGCTCCACCGAGGTCTGGAG[G>T]CCAGGCCGGAGGTGGTTCTCCGCAATGACGTGGCACCAACCATCATCCCGACACCCATGT-3'
Protein context (NP_001784.2, residues 714-734): DITQLHRGLE[Ala724Ser]RPEVVLRNDV